The following is an entry in ClinVar:

NM_003361.4(UMOD):c.1189G>A (p.Glu397Lys)

Gene: UMOD (uromodulin; minus strand). Cytogenetic location: 16p12.3.
Variant type: single nucleotide variant.
Coding change: c.1189G>A on transcript NM_003361.4 (MANE Select); coding-DNA position 1189, G replaced by A.
Protein change: p.Glu397Lys; replaces glutamic acid 397 with lysine.
Molecular consequence: missense variant. On other transcripts: non-coding transcript variant (1).
Genome position (GRCh38, 1-based): chr16:20,344,166, C>T on the plus strand (G>A on the coding strand, the complement: UMOD is on the minus strand). VCF-style: chr16-20344166-C-T. GRCh37 (hg19) VCF-style: chr16-20355488-C-T.
Other names: c.1189G>A, p.Glu397Lys (NM_001008389.3, NM_001378232.1, NM_001378233.1 and 3 more transcripts); c.1288G>A, p.Glu430Lys (NM_001278614.2); short protein forms E397K, E430K.
Identifiers: ClinVar variation 1805967 (VCV001805967.4), dbSNP rs746190950, ClinGen allele CA394983024.

ClinVar aggregate classification (germline): Uncertain significance. Review status: criteria provided, multiple submitters, no conflicts (2 of 4 stars). 3 submissions from 3 submitters: Uncertain significance (3). Last evaluated 2025-07-24.

Conditions:
Familial juvenile hyperuricemic nephropathy type 1 (ADTKD1). Also called: Glomerulocystic kidney disease with hyperuricemia and isosthenuria; Medullary cystic kidney disease 2; Autosomal Dominant Tubulointerstitial Kidney Disease – UMOD; UMOD-Associated Kidney Disease; Uromodulin-associated kidney disease. Identifiers: Orphanet 209886, Orphanet 34149, Orphanet 88950, MedGen C4551496, MONDO:0008073, OMIM 162000.

Allele frequency attached by ClinVar (database versions not stated): TOPMed 0.00001.

Submissions (3):

Labcorp Genetics (formerly Invitae), Labcorp
Classification: Uncertain significance. Last evaluated: 2025-07-24. Review status: criteria provided, single submitter. Criteria: Invitae Variant Classification Sherloc (09022015). Collection method: clinical testing. Allele origin: germline.
Comment: This sequence change replaces glutamic acid, which is acidic and polar, with lysine, which is basic and polar, at codon 397 of the UMOD protein (p.Glu397Lys). This variant is not present in population databases (gnomAD no frequency). This variant has not been reported in the literature in individuals affected with UMOD-related conditions. ClinVar contains an entry for this variant (Variation ID: 1805967). Invitae Evidence Modeling of protein sequence and biophysical properties (such as structural, functional, and spatial information, amino acid conservation, physicochemical variation, residue mobility, and thermodynamic stability) indicates that this missense variant is not expected to disrupt UMOD protein function with a negative predictive value of 80%. In summary, the available evidence is currently insufficient to determine the role of this variant in disease. Therefore, it has been classified as a Variant of Uncertain Significance.

Fulgent Genetics
Classification: Uncertain significance for Familial juvenile hyperuricemic nephropathy type 1. Last evaluated: 2024-05-28. Review status: criteria provided, single submitter. Criteria: ACMG Guidelines, 2015. Collection method: clinical testing. Allele origin: germline.

Victorian Clinical Genetics Services, Murdoch Childrens Research Institute
Classification: Uncertain significance for Familial juvenile hyperuricemic nephropathy type 1. Last evaluated: 2022-09-02. Review status: criteria provided, single submitter. Criteria: ACMG Guidelines, 2015. Collection method: clinical testing. Allele origin: germline. Inheritance: Autosomal dominant inheritance. Affected: yes.
Comment: Based on the classification scheme VCGS_Germline_v1.3.4, this variant is classified as VUS-3C. Following criteria are met: 0104 - Dominant negative is a known mechanism of disease in this gene and is associated with tubulointerstitial kidney disease (MIM#162000) (GeneReviews, PMID: 22117067). (I) 0107 - This gene is associated with autosomal dominant disease. (I) 0115 - Variants in this gene are known to have variable expressivity. Intrafamilial variability has been reported (PMID: 21868615). (I) 0200 - Variant is predicted to result in a missense amino acid change from glutamic acid to lysine. (I) 0251 - This variant is heterozygous. (I) 0301 - Variant is absent from gnomAD (both v2 and v3). (SP) 0503 - Missense variant consistently predicted to be tolerated by multiple in silico tools or not conserved in placental mammals with a minor amino acid change. (SB) 0600 - Variant is located in the annotated zona pellucida-like domain (DECIPHER). (I) 0705 - No comparable missense variants have previous evidence for pathogenicity. (I) 0807 - This variant has no previous evidence of pathogenicity. (I) 0905 - No published segregation evidence has been identified for this variant. (I) 1007 - No published functional evidence has been identified for this variant. (I) 1208 - Inheritance information for this variant is not currently available in this individual. (I) Legend: (SP) - Supporting pathogenic, (I) - Information, (SB) - Supporting benign

Literature cited by the submitters: PubMed 21868615 (cited by Victorian Clinical Genetics Services, Murdoch Childrens Research Institute); PubMed 22117067 (cited by Victorian Clinical Genetics Services, Murdoch Childrens Research Institute).